The following is an entry in ClinVar:

ClinVar aggregate classification (germline): Uncertain significance (1 of 4 stars; one submission).

Conditions:
Hereditary cancer-predisposing syndrome. Also called: Tumor predisposition; Hereditary Cancer Syndrome; Hereditary neoplastic syndrome; Neoplastic Syndromes, Hereditary. Identifiers: Orphanet 140162, MedGen C0027672, MeSH D009386, MONDO:0015356.

Submission:

Ambry Genetics
Classification: Uncertain significance for Hereditary cancer-predisposing syndrome. Last evaluated: 2024-04-16. Review status: criteria provided, single submitter. Criteria: Ambry Variant Classification Scheme 2023. Collection method: clinical testing. Allele origin: germline.
Comment: The p.K723* variant (also known as c.2167A>T), located in coding exon 8 of the MET gene, results from an A to T substitution at nucleotide position 2167. This changes the amino acid from a lysine to a stop codon within coding exon 8. This alteration is expected to result in protein truncation or nonsense-mediated mRNA decay. However, loss of function of MET has not been established as a mechanism of disease. Based on the available evidence, the clinical significance of this alteration remains unclear.

NM_000245.4(MET):c.2167A>T (p.Lys723Ter)

Gene: MET (MET proto-oncogene, receptor tyrosine kinase; plus strand). Cytogenetic location: 7q31.2.
Variant type: single nucleotide variant.
Coding change: c.2167A>T on transcript NM_000245.4 (MANE Select); coding-DNA position 2167, A replaced by T.
Protein change: p.Lys723Ter; replaces lysine 723 with a stop codon.
Molecular consequence: nonsense.
Genome position (GRCh38, 1-based): chr7:116,758,523, A>T. VCF-style: chr7-116758523-A-T. GRCh37 (hg19) VCF-style: chr7-116398577-A-T.
Other names: c.2167A>T, p.Lys723Ter (NM_001127500.3, NM_001324401.3); c.877A>T, p.Lys293Ter (NM_001324402.2); short protein forms K723*, K293*.
Identifiers: ClinVar variation 3294327 (VCV003294327.1).
Genomic context (GRCh38, chr7:116,758,523, plus strand): 5'-TCAAACAGTATTCTTGAATGTTATACCCCAGCCCAAACCATTTCAACTGAGTTTGCTGTT[A>T]AATTGAAAATTGACTTAGCCAACCGAGAGACAAGCATCTTCAGTTACCGTGAAGATCCCA-3'